The following is an entry in ClinVar:

ClinVar aggregate classification (germline): Likely benign (1 of 4 stars; one submission).

gnomAD v4.1: 1 of 1,613,382 alleles (0.000062%); highest among the groups gnomAD compares: Non-Finnish European, 0.000085%; no homozygotes.

Submission:

CeGaT Center for Human Genetics Tuebingen
Classification: Likely benign. Last evaluated: 2026-04-01. Review status: criteria provided, single submitter. Criteria: CeGaT Center For Human Genetics Tuebingen Variant Classification Criteria Version 2. Collection method: clinical testing. Allele origin: germline. Affected: yes. Observed: 1 variant allele.
Comment: CACNA1A: BP4, BP7

NM_001127222.2(CACNA1A):c.273C>T (p.Ala91=)

Gene: CACNA1A (calcium voltage-gated channel subunit alpha1 A; minus strand). Cytogenetic location: 19p13.13.
Variant type: single nucleotide variant.
Coding change: c.273C>T on transcript NM_001127222.2 (MANE Select); coding-DNA position 273, C replaced by T.
Protein change: p.Ala91=; no amino-acid change (alanine 91 retained).
Molecular consequence: synonymous variant.
Genome position (GRCh38, 1-based): chr19:13,505,952, G>A on the plus strand (C>T on the coding strand, the complement: CACNA1A is on the minus strand). VCF-style: chr19-13505952-G-A. GRCh37 (hg19) VCF-style: chr19-13616766-G-A.
Other names: c.273C>T, p.Ala91= (NM_000068.4, NM_001127221.2, NM_001174080.2 and 1 more transcripts).
Identifiers: ClinVar variation 4874575 (VCV004874575.2).
Genomic context (GRCh38, chr19:13,505,952, plus strand): 5'-GGGAGGCGCAGCTGCTGCTGGGGTTCGGGCAAAAGGATATGGCCATTCGGTGATCTTTTT[G>A]GCGTATTTTCTCACCACGTTGTCTTCGCTGAAGAGGAAGAGAGACCGGTTAACCGTGAGG-3'
Protein context (NP_001120694.1, residues 81-101): FSEDNVVRKY[Ala91=]KKITEWPPFE